The following is an entry in ClinVar:

ClinVar aggregate classification (germline): Uncertain significance. Review status: criteria provided, multiple submitters, no conflicts (2 of 4 stars). 2 submissions from 2 submitters: Uncertain significance (2). Last evaluated 2026-01-01.

Conditions:
Rienhoff syndrome. Also called: LOEYS-DIETZ SYNDROME 5. Identifiers: MedGen C3810012, MONDO:0014262, OMIM 615582.

gnomAD v4.1: 11 of 1,614,002 alleles (0.00068%); highest among the groups gnomAD compares: East Asian, 0.0022%; no homozygotes.

Submissions (2):

CeGaT Center for Human Genetics Tuebingen
Classification: Uncertain significance. Last evaluated: 2026-01-01. Review status: criteria provided, single submitter. Criteria: CeGaT Center For Human Genetics Tuebingen Variant Classification Criteria Version 2. Collection method: clinical testing. Allele origin: germline. Affected: yes. Observed: 1 variant allele.
Comment: TGFB3: PM2, BP4

Labcorp Genetics (formerly Invitae), Labcorp
Classification: Uncertain significance for Rienhoff syndrome. Last evaluated: 2025-11-12. Review status: criteria provided, single submitter. Criteria: Invitae Variant Classification Sherloc (09022015). Collection method: clinical testing. Allele origin: germline.
Comment: This sequence change replaces arginine, which is basic and polar, with glutamine, which is neutral and polar, at codon 194 of the TGFB3 protein (p.Arg194Gln). This variant is present in population databases (rs760707107, gnomAD 0.003%). This variant has not been reported in the literature in individuals affected with TGFB3-related conditions. ClinVar contains an entry for this variant (Variation ID: 3704351). An algorithm developed to predict the effect of missense changes on protein structure and function (PolyPhen-2) suggests that this variant is likely to be tolerated. In summary, the available evidence is currently insufficient to determine the role of this variant in disease. Therefore, it has been classified as a Variant of Uncertain Significance.

NM_003239.5(TGFB3):c.581G>A (p.Arg194Gln)

Gene: TGFB3 (transforming growth factor beta 3; minus strand). Cytogenetic location: 14q24.3.
Variant type: single nucleotide variant.
Coding change: c.581G>A on transcript NM_003239.5 (MANE Select); coding-DNA position 581, G replaced by A.
Protein change: p.Arg194Gln; replaces arginine 194 with glutamine.
Molecular consequence: missense variant.
Genome position (GRCh38, 1-based): chr14:75,971,191, C>T on the plus strand (G>A on the coding strand, the complement: TGFB3 is on the minus strand). VCF-style: chr14-75971191-C-T. GRCh37 (hg19) VCF-style: chr14-76437534-C-T.
Other names: c.581G>A, p.Arg194Gln (NM_001329938.2, NM_001329939.2); short protein forms R194Q.
Identifiers: ClinVar variation 3704351 (VCV003704351.6).